The following is an entry in ClinVar:

ClinVar aggregate classification (germline): Uncertain significance (1 of 4 stars; one submission).

gnomAD v4.1: 3 of 1,613,574 alleles (0.00019%); highest among the groups gnomAD compares: Non-Finnish European, 0.00017%; no homozygotes.

Submission:

Athena Diagnostics
Classification: Uncertain significance. Last evaluated: 2023-11-21. Review status: criteria provided, single submitter. Criteria: Athena Diagnostics Criteria. Collection method: clinical testing. Allele origin: unknown.
Comment: Available data are insufficient to determine the clinical significance of the variant at this time. This variant has not been reported in large, multi-ethnic general populations. Computational tools yielded predictions that this variant may result in the gain of a cryptic splice site without affecting the natural splice sites.

NM_022464.5(SIL1):c.1191G>A (p.Val397=)

Gene: SIL1 (SIL1 nucleotide exchange factor; minus strand). Cytogenetic location: 5q31.2.
Variant type: single nucleotide variant.
Coding change: c.1191G>A on transcript NM_022464.5 (MANE Select); coding-DNA position 1191, G replaced by A.
Protein change: p.Val397=; no amino-acid change (valine 397 retained).
Molecular consequence: synonymous variant.
Genome position (GRCh38, 1-based): chr5:138,947,312, C>T on the plus strand (G>A on the coding strand, the complement: SIL1 is on the minus strand). VCF-style: chr5-138947312-C-T. GRCh37 (hg19) VCF-style: chr5-138283001-C-T.
Other names: c.1191G>A, p.Val397= (NM_001037633.2).
Identifiers: ClinVar variation 3571627 (VCV003571627.1).